The following is an entry in ClinVar:

NM_003468.4(FZD5):c.796T>C (p.Tyr266His)

Gene: FZD5 (frizzled class receptor 5; minus strand). Cytogenetic location: 2q33.3.
Variant type: single nucleotide variant.
Coding change: c.796T>C on transcript NM_003468.4 (MANE Select); coding-DNA position 796, T replaced by C.
Protein change: p.Tyr266His; replaces tyrosine 266 with histidine.
Molecular consequence: missense variant.
Genome position (GRCh38, 1-based): chr2:207,767,944, A>G on the plus strand (T>C on the coding strand, the complement: FZD5 is on the minus strand). VCF-style: chr2-207767944-A-G. GRCh37 (hg19) VCF-style: chr2-208632668-A-G.
Other names: short protein forms Y266H.
Identifiers: ClinVar variation 4885267 (VCV004885267.2).
Genomic context (GRCh38, chr2:207,767,944, plus strand): 5'-GGAAGCCCAGCGACACGCACAGGTAGCAGGCTGACAGGAAGATGATGGGGCGCTCAGGAT[A>G]GCGGAAGCGTTCCATGTCGATGAGGAAGGTGGCCACTGTGGTGGACGTGGAGATGAAGCA-3'
Protein context (NP_003459.2, residues 256-276): TFLIDMERFR[Tyr266His]PERPIIFLSA

ClinVar aggregate classification (germline): Uncertain significance (1 of 4 stars; one submission).

Submission:

Dasa
Classification: Uncertain significance. Last evaluated: 2025-08-01. Review status: criteria provided, single submitter. Criteria: DASA Assertion Criteria. Collection method: clinical testing. Allele origin: germline.
Comment: NM_003468.4(FZD5):c.796T>C (p.Tyr266His) is a missense variant that results in the substitution of tyrosine with histidine. This variant is absent from population databases. Computational prediction algorithms are consistent with a deleterious effect. The currently available literature and clinical evidence are not sufficient to establish a definitive association between this variant and the reported condition. Therefore, this variant is classified as a variant of uncertain significance.